The following is an entry in ClinVar:

ClinVar aggregate classification (germline): Uncertain significance. Review status: criteria provided, multiple submitters, no conflicts (2 of 4 stars). 2 submissions from 2 submitters: Uncertain significance (2). Last evaluated 2025-02-27.

Conditions:
Combined oxidative phosphorylation deficiency 35 (COXPD35). Identifiers: MedGen C4693466, MONDO:0054742, OMIM 617873.

Submissions (2):

GeneDx
Classification: Uncertain significance. Last evaluated: 2025-02-27. Review status: criteria provided, single submitter. Criteria: GeneDx Variant Classification Process June 2021. Collection method: clinical testing. Allele origin: germline. Affected: yes.
Comment: Not observed at significant frequency in large population cohorts (gnomAD); In silico analysis indicates that this missense variant does not alter protein structure/function; Has not been previously published as pathogenic or benign to our knowledge

Baylor Genetics
Classification: Uncertain significance for Combined oxidative phosphorylation deficiency 35. Last evaluated: 2023-12-08. Review status: criteria provided, single submitter. Criteria: ACMG Guidelines, 2015. Collection method: clinical testing. Allele origin: unknown.

NM_017646.6(TRIT1):c.65C>T (p.Thr22Ile)

Genes: MYCL-AS1 (MYCL antisense RNA 1; plus strand), TRIT1 (tRNA isopentenyltransferase 1; minus strand). Cytogenetic location: 1p34.2.
Variant type: single nucleotide variant.
Coding change: c.65C>T on transcript NM_017646.6 (MANE Select); coding-DNA position 65, C replaced by T.
Protein change: p.Thr22Ile; replaces threonine 22 with isoleucine.
Molecular consequence: missense variant.
Genome position (GRCh38, 1-based): chr1:39,883,427, G>A on the plus strand (C>T on the coding strand, the complement: TRIT1 is on the minus strand). VCF-style: chr1-39883427-G-A. GRCh37 (hg19) VCF-style: chr1-40349099-G-A.
Other names: c.65C>T, p.Thr22Ile (NM_001312691.2, NM_001312692.2); c.65C>T (NM_017646.4); short protein forms T22I.
Identifiers: ClinVar variation 3238842 (VCV003238842.2), dbSNP rs192151286.
Genomic context (GRCh38, chr1:39,883,427, plus strand): 5'-TGCAACGCCAGCGTGGATTTGCCGGTGCCCGTGGCCCCGAGAATCACTACAAGAGGTAGG[G>A]TCCGTTGCAGGCCCCTGAGCCCACTGCCCACGGGAACTGCTCGTGCAGCCGCCACGGACG-3'
Protein context (NP_060116.2, residues 12-32): VGSGLRGLQR[Thr22Ile]LPLVVILGAT